The following is an entry in ClinVar:

ClinVar aggregate classification (germline): Conflicting classifications of pathogenicity. Review status: criteria provided, conflicting classifications (1 of 4 stars). 14 submissions from 14 submitters: Uncertain significance (1); Benign (8); Likely benign (5). Last evaluated 2026-10-01.

Conditions:
Pancreatic hypoplasia. Identifiers: MedGen C0266267, HP:0002594.
Monogenic diabetes. Identifiers: Orphanet 183625, MedGen C3888631, MONDO:0015967.
Maturity-onset diabetes of the young (MODY). Also called: Maturity onset diabetes mellitus in young. Identifiers: Orphanet 552, MedGen C0342276, MONDO:0018911, HP:0004904.
Maturity-onset diabetes of the young type 4 (MODY4). Also called: Maturity-onset diabetes of the young, type IV; MODY, type IV. Identifiers: Orphanet 552, MedGen C1833382, MONDO:0011667, OMIM 606392.

Allele frequency attached by ClinVar (database versions not stated): ESP Exome Variant Server 0.00562; 1000 Genomes Project 0.00639; 1000 Genomes Project 30x 0.00796; gnomAD 0.00939 and 0.00993; TOPMed 0.01035; ExAC 0.01048.
gnomAD v4.1: 7,408 of 1,502,110 alleles (0.49%); highest among the groups gnomAD compares: African/African-American, 2.4%; 46 homozygotes.

Submissions (14):

CeGaT Center for Human Genetics Tuebingen
Classification: Benign. Last evaluated: 2026-10-01. Review status: criteria provided, single submitter. Criteria: CeGaT Center For Human Genetics Tuebingen Variant Classification Criteria Version 2. Collection method: clinical testing. Allele origin: germline. Affected: yes. Observed: 8 variant alleles.
Comment: PDX1: BS1, BS2

Labcorp Genetics (formerly Invitae), Labcorp
Classification: Benign. Last evaluated: 2026-01-26. Review status: criteria provided, single submitter. Criteria: Invitae Variant Classification Sherloc (09022015). Collection method: clinical testing. Allele origin: germline.

ARUP Laboratories, Molecular Genetics and Genomics, ARUP Laboratories
Classification: Benign. Last evaluated: 2025-07-17. Review status: criteria provided, single submitter. Criteria: ARUP Molecular Germline Variant Investigation Process 2024. Collection method: clinical testing. Allele origin: germline.

Blueprint Genetics
Classification: Likely benign. Last evaluated: 2024-11-27. Review status: criteria provided, single submitter. Criteria: ACMG Guidelines, 2015. Collection method: clinical testing. Allele origin: germline.

Athena Diagnostics
Classification: Benign. Last evaluated: 2023-12-27. Review status: criteria provided, single submitter. Criteria: Athena Diagnostics Criteria. Collection method: clinical testing. Allele origin: unknown.

Women's Health and Genetics/Laboratory Corporation of America, LabCorp
Classification: Likely benign. Last evaluated: 2023-08-07. Review status: criteria provided, single submitter. Criteria: LabCorp Variant Classification Summary - May 2015. Collection method: clinical testing. Allele origin: germline.
Comment: Variant summary: PDX1 c.716C>A (p.Pro239Gln) results in a non-conservative amino acid change in the encoded protein sequence. Four of five in-silico tools predict a benign effect of the variant on protein function. The variant allele was found at a frequency of 0.006 in 109586 control chromosomes in the gnomAD database, including 6 homozygotes. The observed variant frequency significantly exceeds the estimated maximal expected allele frequency for a pathogenic variant in PDX1 causing Familial Monogenic Diabetes (Maturity Onset Diabetes Of The Young 4)/Neonatal Diabetes Mellitus phenotype (1.3e-06), strongly suggesting that the variant is benign. c.716C>A has been reported in the literature in individuals affected with Familial Monogenic Diabetes (Maturity Onset Diabetes Of The Young 4)/Neonatal Diabetes Mellitus (example, Weng_2001, Weng_2002, Lindgren_2002, Haaland_2009, Huang_2002, Zhang_2004). In our ascertainment of families with this variant, 10 transmissions of the variant allele and 6 transmissions of the reference allele to affected individuals was reported supporting lack of segregation with a disease phenotype. In our ascertainment, the penetrance of Familial Monogenic Diabetes (Maturity Onset Diabetes Of The Young 4)/Neonatal Diabetes Mellitus (0.53) due to this variant appears to be lower than expected (0.8), therefore, no conclusions can be drawn from these data. At least one publication reports experimental evidence evaluating an impact on protein function (example, Weng_2001). The most pronounced variant effect results in normal expression and binding activity to the insulin gene promoter but reduced activation of the insulin-gene transcription in response to increased glucose concentrations compared with the wild-type IPF1 protein. The following publications have been ascertained in the context of this evaluation (PMID: 11270685, 11772903, 11978663, 15111508, 19228875, 12099699, 15028942, 12677187). Eight submitters have cited clinical-significance assessments for this variant to ClinVar after 2014. All submitters classified the variant as benign/likely benign. Based on the evidence outlined above, the variant was classified as likely benign.

Laboratory for Molecular Medicine, Mass General Brigham Personalized Medicine
Classification: Benign. Last evaluated: 2021-11-09. Review status: criteria provided, single submitter. Criteria: ACMG Guidelines, 2015. Collection method: clinical testing. Allele origin: germline.
Comment: The p.Pro239Gln variant in PDX1 is classified as benign because it has been identified in 2.8% (351/12426) of African/African-American chromosomes, including 9 homozygotes, by gnomAD. ACMG/AMP Criteria applied: BA1.

Mendelics
Classification: Likely benign for Maturity-onset diabetes of the young type 4. Last evaluated: 2019-05-28. Review status: criteria provided, single submitter. Criteria: Mendelics Assertion Criteria 2017. Collection method: clinical testing. Allele origin: unknown.

GeneDx
Classification: Benign. Last evaluated: 2019-01-10. Review status: criteria provided, single submitter. Criteria: GeneDx Variant Classification Process June 2021. Collection method: clinical testing. Allele origin: germline. Affected: yes.
Comment: This variant is associated with the following publications: (PMID: 11270685, 27884173, 24097065)

Personalized Diabetes Medicine Program, University of Maryland School of Medicine
Classification: Benign for Monogenic diabetes. Last evaluated: 2018-08-14. Review status: criteria provided, single submitter. Criteria: ACMG Guidelines, 2015. Collection method: research. Allele origin: unknown. Observed: 6 variant alleles, 6 heterozygotes.
Comment: ACMG criteria: BA1 (2.8% in gnomAD African)= benign (REVEL score 0.221 + PP3 (3 predictors) + BP4 (8 predictors)= conflicting evidence, not using)

Center for Pediatric Genomic Medicine, Children's Mercy Hospital and Clinics
Classification: Likely benign. Last evaluated: 2017-02-27. Review status: criteria provided, single submitter. Criteria: ACMG Guidelines, 2015. Collection method: clinical testing. Allele origin: germline.

Ambry Genetics
Classification: Benign for Maturity-onset diabetes of the young. Last evaluated: 2016-05-05. Review status: criteria provided, single submitter. Criteria: Ambry Variant Classification Scheme 2023. Collection method: clinical testing. Allele origin: germline.

Genetic Services Laboratory, University of Chicago
Classification: Likely benign. Last evaluated: 2016-03-29. Review status: criteria provided, single submitter. Criteria: ACMG Guidelines, 2015. Collection method: clinical testing. Allele origin: germline. Affected: no.

Clinical Genomics, Uppaluri K&H Personalized Medicine Clinic
Classification: Uncertain significance for Pancreatic hypoplasia. Review status: criteria provided, single submitter. Criteria: K & H Uppaluri Personalized Medicine Clinic Variant Classification & Assertion Criteria_Updated V.1. Collection method: research. Allele origin: somatic. Inheritance: Autosomal dominant inheritance.
Comment: Potent homozygous mutations in the PDX1 gene can lead to pancreatic agenesis/pancreatic hypoplasia and neonatal diabetes mellitus. However, the role of this particular variant (rs199644078) of PDX1 in pancreatic agenesis/hypoplasia and neonatal diabetes mellitus remains uncertain.

Literature cited by the submitters: PubMed 24097065 (cited by Athena Diagnostics and Ambry Genetics); PubMed 11270685 (cited by 3 submitters); PubMed 11772903 (cited by Athena Diagnostics and Women's Health and Genetics/Laboratory Corporation of America, LabCorp); PubMed 11978663 (cited by Athena Diagnostics and Women's Health and Genetics/Laboratory Corporation of America, LabCorp); PubMed 19228875 (cited by 3 submitters); PubMed 15111508 (cited by Women's Health and Genetics/Laboratory Corporation of America, LabCorp); PubMed 12099699 (cited by Women's Health and Genetics/Laboratory Corporation of America, LabCorp); PubMed 15028942 (cited by Women's Health and Genetics/Laboratory Corporation of America, LabCorp); PubMed 12677187 (cited by Women's Health and Genetics/Laboratory Corporation of America, LabCorp); PubMed 24464100 (cited by Ambry Genetics); PubMed 26287533 (cited by Ambry Genetics); PubMed 34988346 (cited by Clinical Genomics, Uppaluri K&H Personalized Medicine Clinic).

NM_000209.4(PDX1):c.716C>A (p.Pro239Gln)

Gene: PDX1 (pancreatic and duodenal homeobox 1; plus strand). Cytogenetic location: 13q12.2.
Variant type: single nucleotide variant.
Coding change: c.716C>A on transcript NM_000209.4 (MANE Select); coding-DNA position 716, C replaced by A.
Protein change: p.Pro239Gln; replaces proline 239 with glutamine.
Molecular consequence: missense variant.
Genome position (GRCh38, 1-based): chr13:27,924,565, C>A. VCF-style: chr13-27924565-C-A. GRCh37 (hg19) VCF-style: chr13-28498702-C-A.
Other names: short protein forms P239Q.
Identifiers: ClinVar variation 129881 (VCV000129881.52), dbSNP rs199644078, ClinGen allele CA231372.